The following is an entry in ClinVar:

NM_003366.4(UQCRC2):c.834G>A (p.Ala278=)

Genes: PDZD9 (PDZ domain containing 9), UQCRC2 (ubiquinol-cytochrome c reductase core protein 2). Cytogenetic location: 16p12.2.
Variant type: single nucleotide variant.
Coding change: c.834G>A on transcript NM_003366.4 (MANE Select); coding-DNA position 834, G replaced by A.
Protein change: p.Ala278=; no amino-acid change (alanine 278 retained).
Molecular consequence: synonymous variant.
Genome position (GRCh38, 1-based): chr16:21,971,990, G>A. VCF-style: chr16-21971990-G-A. GRCh37 (hg19) VCF-style: chr16-21983311-G-A.
Identifiers: ClinVar variation 4874207 (VCV004874207.2).
Genomic context (GRCh38, chr16:21,971,990, plus strand): 5'-CCGAGAACAGAATGGAGACAGTCTTGTCCATGCTGCTTTTGTAGCAGAAAGTGCTGTCGC[G>A]GGAAGTGCAGAGGCAAATGCATTTAGTGTTCTTCAGCATGTCCTCGGTGCTGGGCCACAT-3'
Protein context (NP_003357.2, residues 268-288): HAAFVAESAV[Ala278=]GSAEANAFSV

ClinVar aggregate classification (germline): Likely benign (1 of 4 stars; one submission).

gnomAD v4.1: 68 of 1,614,124 alleles (0.0042%); highest among the groups gnomAD compares: African/African-American, 0.069%; no homozygotes.

Submission:

CeGaT Center for Human Genetics Tuebingen
Classification: Likely benign. Last evaluated: 2026-06-01. Review status: criteria provided, single submitter. Criteria: CeGaT Center For Human Genetics Tuebingen Variant Classification Criteria Version 2. Collection method: clinical testing. Allele origin: germline. Affected: yes. Observed: 1 variant allele.
Comment: UQCRC2: BP4, BP7